The following is an entry in ClinVar:

ClinVar aggregate classification (germline): Pathogenic (1 of 4 stars; one submission).

Conditions:
RASopathy. Also called: Noonan spectrum disorder; rasopathies. Identifiers: Orphanet 536391, MedGen C5555857, MONDO:0021060.

gnomAD v4.1: 3 of 1,613,916 alleles (0.00019%); highest among the groups gnomAD compares: Non-Finnish European, 0.00025%; no homozygotes.

Submission:

Labcorp Genetics (formerly Invitae), Labcorp
Classification: Pathogenic for RASopathy. Last evaluated: 2023-06-23. Review status: criteria provided, single submitter. Criteria: Invitae Variant Classification Sherloc (09022015). Collection method: clinical testing. Allele origin: germline.
Comment: For these reasons, this variant has been classified as Pathogenic. This sequence change replaces glutamine, which is neutral and polar, with proline, which is neutral and non-polar, at codon 79 of the PTPN11 protein (p.Gln79Pro). This variant is not present in population databases (gnomAD no frequency). This missense change has been observed in individuals with Noonan syndrome (PMID: 12960218). Advanced modeling of protein sequence and biophysical properties (such as structural, functional, and spatial information, amino acid conservation, physicochemical variation, residue mobility, and thermodynamic stability) performed at Invitae indicates that this missense variant is expected to disrupt PTPN11 protein function. This variant disrupts the p.Gln79 amino acid residue in PTPN11. Other variant(s) that disrupt this residue have been determined to be pathogenic (PMID: 11704759, 11992261, 12529711, 12634870, 16166557, 17020470, 17641779, 19017799, 22848035). This suggests that this residue is clinically significant, and that variants that disrupt this residue are likely to be disease-causing.

Literature cited by the submitters: PubMed 12960218; PubMed 11704759; PubMed 11992261; PubMed 12529711; PubMed 12634870; PubMed 16166557; PubMed 17020470; PubMed 17641779; PubMed 19017799; PubMed 22848035.

NM_002834.5(PTPN11):c.236A>C (p.Gln79Pro)

Gene: PTPN11 (protein tyrosine phosphatase non-receptor type 11; plus strand). Cytogenetic location: 12q24.13.
Variant type: single nucleotide variant.
Coding change: c.236A>C on transcript NM_002834.5 (MANE Select); coding-DNA position 236, A replaced by C.
Protein change: p.Gln79Pro; replaces glutamine 79 with proline.
Molecular consequence: missense variant.
Genome position (GRCh38, 1-based): chr12:112,450,416, A>C. VCF-style: chr12-112450416-A-C. GRCh37 (hg19) VCF-style: chr12-112888220-A-C.
Other names: c.236A>C, p.Gln79Pro (NM_001330437.2, NM_080601.3); c.233A>C, p.Gln78Pro (NM_001374625.1); short protein forms Q78P, Q79P.
Identifiers: ClinVar variation 2735977 (VCV002735977.3), dbSNP rs121918466, ClinGen allele CA386777926.
Genomic context (GRCh38, chr12:112,450,416, plus strand): 5'-CTGGTGATTACTATGACCTGTATGGAGGGGAGAAATTTGCCACTTTGGCTGAGTTGGTCC[A>C]GTATTACATGGAACATCACGGGCAATTAAAAGAGAAGAATGGAGATGTCATTGAGCTTAA-3'
Protein context (NP_002825.3, residues 69-89): EKFATLAELV[Gln79Pro]YYMEHHGQLK